The following is an entry in ClinVar:

ClinVar aggregate classification (germline): Conflicting classifications of pathogenicity. Review status: criteria provided, conflicting classifications (1 of 4 stars). 6 submissions from 6 submitters: Uncertain significance (1); Benign (3); Likely benign (1). 1 of the submissions does not count toward it. Last evaluated 2026-09-01.

Conditions:
Retinal dystrophy. Also called: Inherited retinal dystrophy. Identifiers: Orphanet 71862, MedGen C0854723, MeSH D058499, MONDO:0019118, HP:0000556.
Retinitis pigmentosa (RP). Identifiers: Orphanet 791, MedGen C0035334, MeSH D012174, MONDO:0019200, OMIM 268000. Inheritance: Autosomal dominant, autosomal recessive and X linked inheritance.

Allele frequency attached by ClinVar (database versions not stated): gnomAD 0.00665 and 0.00606; gnomAD exomes 0.00685 and 0.00779; TOPMed 0.00566; ExAC 0.00663; 1000 Genomes Project 30x 0.00234; ESP Exome Variant Server 0.00561; 1000 Genomes Project 0.00260.
gnomAD v4.1: 12,273 of 1,614,202 alleles (0.76%); highest among the groups gnomAD compares: Non-Finnish European, 0.85%; 56 homozygotes.

Submissions (6):

CeGaT Center for Human Genetics Tuebingen
Classification: Likely benign. Last evaluated: 2026-09-01. Review status: criteria provided, single submitter. Criteria: CeGaT Center For Human Genetics Tuebingen Variant Classification Criteria Version 2. Collection method: clinical testing. Allele origin: germline. Affected: yes. Observed: 8 variant alleles.
Comment: PDE6A: BP4, BS2

Labcorp Genetics (formerly Invitae), Labcorp
Classification: Benign. Last evaluated: 2026-02-01. Review status: criteria provided, single submitter. Criteria: Invitae Variant Classification Sherloc (09022015). Collection method: clinical testing. Allele origin: germline.

Illumina Laboratory Services, Illumina
Classification: Uncertain significance for Retinitis pigmentosa. Last evaluated: 2018-01-12. Review status: criteria provided, single submitter. Criteria: ICSL Variant Classification Criteria 13 December 2019. Collection method: clinical testing. Allele origin: germline.

GeneDx
Classification: Benign. Last evaluated: 2015-03-03. Review status: criteria provided, single submitter. Criteria: GeneDx Variant Classification Process June 2021. Collection method: clinical testing. Allele origin: germline. Affected: yes.

Eurofins Ntd Llc (ga)
Classification: Benign. Last evaluated: 2014-01-30. Review status: criteria provided, single submitter. Criteria: EGL Classification Definitions 2015. Collection method: clinical testing. Allele origin: germline. Observed: 1 variant allele, 1 heterozygote.

Institute of Human Genetics, Univ. Regensburg, Univ. Regensburg
Classification: Likely benign for Retinal dystrophy. Last evaluated: 2012-01-01. Review status: no assertion criteria provided. Criteria: ACMG Guidelines, 2015. Collection method: clinical testing. Allele origin: germline. Affected: yes. Not counted in ClinVar's aggregate classification.

NM_000440.3(PDE6A):c.1476A>C (p.Gln492His)

Gene: PDE6A (phosphodiesterase 6A; minus strand). Cytogenetic location: 5q32.
Variant type: single nucleotide variant.
Coding change: c.1476A>C on transcript NM_000440.3 (MANE Select); coding-DNA position 1476, A replaced by C.
Protein change: p.Gln492His; replaces glutamine 492 with histidine.
Molecular consequence: missense variant.
Genome position (GRCh38, 1-based): chr5:149,896,500, T>G on the plus strand (A>C on the coding strand, the complement: PDE6A is on the minus strand). VCF-style: chr5-149896500-T-G. GRCh37 (hg19) VCF-style: chr5-149276063-T-G.
Other names: short protein forms Q492H.
Identifiers: ClinVar variation 93009 (VCV000093009.59), dbSNP rs17711594, ClinGen allele CA146172.